The following is an entry in ClinVar:

NM_018418.5(SPATA7):c.115_119del (p.Ser39fs)

Gene: SPATA7 (spermatogenesis associated 7; plus strand). Cytogenetic location: 14q31.3.
Variant type: Deletion.
Coding change: c.115_119del on transcript NM_018418.5 (MANE Select); coding-DNA positions 115 to 119, 5 bases deleted (TCTCT; older notation c.115_119delTCTCT).
Protein change: p.Ser39fs; shifts the reading frame from serine 39.
Molecular consequence: frameshift variant. On other transcripts: intron variant (1).
Genome position (GRCh38, 1-based): chr14:88,393,413-88,393,417, TCTCT deleted; deleting any 5 consecutive bases within chr14:88,393,409-88,393,417 gives the same sequence; the c. name uses the placement nearest the transcript's 3' end. VCF-style (leftmost placement, unchanged base first): chr14-88393408-CCTCTT-C. GRCh37 (hg19) VCF-style: chr14-88859752-CCTCTT-C.
Other names: c.94+1958_94+1962del (NM_001040428.4); short protein forms S39fs.
Identifiers: ClinVar variation 497357 (VCV000497357.9), dbSNP rs1555370458, ClinGen allele CA658798242.
Genomic context (GRCh38, chr14:88,393,408, plus strand): 5'-TTTATATTAGTTTTAAATATATAATGATTATGTTTTAATTTTTAGCTTTTTGCACTGACT[CCTCTT>C]CTCTCAGACTAAGCACTCTCCAGCTGGTCAAGAATCACATGGCTGTTCACTATAATAAAA-3'

ClinVar aggregate classification (germline): Pathogenic. Review status: criteria provided, multiple submitters, no conflicts (2 of 4 stars). 2 submissions from 2 submitters: Pathogenic (2). Last evaluated 2022-10-14.

Conditions:
Leber congenital amaurosis 3 (LCA3). Also called: SPATA7-Related Retinitis Pigmentosa. Identifiers: MedGen C1858677, MONDO:0011415, OMIM 604232.

Submissions (2):

Labcorp Genetics (formerly Invitae), Labcorp
Classification: Pathogenic for Leber congenital amaurosis 3. Last evaluated: 2022-10-14. Review status: criteria provided, single submitter. Criteria: Invitae Variant Classification Sherloc (09022015). Collection method: clinical testing. Allele origin: germline.
Comment: This sequence change creates a premature translational stop signal (p.Ser39Glnfs*17) in the SPATA7 gene. It is expected to result in an absent or disrupted protein product. Loss-of-function variants in SPATA7 are known to be pathogenic (PMID: 19268277, 22334370, 23847139, 26047050, 26261414). For these reasons, this variant has been classified as Pathogenic. Algorithms developed to predict the effect of sequence changes on RNA splicing suggest that this variant may disrupt the consensus splice site. ClinVar contains an entry for this variant (Variation ID: 497357). This variant has not been reported in the literature in individuals affected with SPATA7-related conditions. This variant is not present in population databases (gnomAD no frequency).

Eurofins Ntd Llc (ga)
Classification: Pathogenic. Last evaluated: 2016-09-30. Review status: criteria provided, single submitter. Criteria: EGL Classification Definitions 2015. Collection method: clinical testing. Allele origin: germline. Observed: 1 variant allele, 1 heterozygote.

Literature cited by the submitters: PubMed 19268277 (cited by Labcorp Genetics (formerly Invitae), Labcorp); PubMed 22334370 (cited by Labcorp Genetics (formerly Invitae), Labcorp); PubMed 23847139 (cited by Labcorp Genetics (formerly Invitae), Labcorp); PubMed 26047050 (cited by Labcorp Genetics (formerly Invitae), Labcorp); PubMed 26261414 (cited by Labcorp Genetics (formerly Invitae), Labcorp).